The following is an entry in ClinVar:

NM_001244008.2(KIF1A):c.4935G>C (p.Lys1645Asn)

Gene: KIF1A (kinesin family member 1A; minus strand). Cytogenetic location: 2q37.3.
Variant type: single nucleotide variant.
Coding change: c.4935G>C on transcript NM_001244008.2 (MANE Select); coding-DNA position 4935, G replaced by C.
Protein change: p.Lys1645Asn; replaces lysine 1645 with asparagine.
Molecular consequence: missense variant.
Genome position (GRCh38, 1-based): chr2:240,719,860, C>G on the plus strand (G>C on the coding strand, the complement: KIF1A is on the minus strand). VCF-style: chr2-240719860-C-G. GRCh37 (hg19) VCF-style: chr2-241659277-C-G.
Other names: c.4659G>C, p.Lys1553Asn (NM_001320705.2, NM_001379649.1); c.4686G>C, p.Lys1562Asn (NM_001330289.2); c.4734G>C, p.Lys1578Asn (NM_001330290.2, NM_001379648.1); c.5010G>C, p.Lys1670Asn (NM_001379631.1); c.4911G>C, p.Lys1637Asn (NM_001379632.1); c.4908G>C, p.Lys1636Asn (NM_001379633.1, NM_001379645.1); c.4761G>C, p.Lys1587Asn (NM_001379634.1); c.4758G>C, p.Lys1586Asn (NM_001379635.1, NM_001379646.1); and 7 more; short protein forms K1543N, K1544N, K1552N, K1562N, K1670N, K1561N, K1569N, K1582N.
Identifiers: ClinVar variation 1744225 (VCV001744225.4), dbSNP rs2536616248, ClinGen allele CA351300640.
Genomic context (GRCh38, chr2:240,719,860, plus strand): 5'-GACCAGCAGGCGCTGGGGCTCCTTGTCTGTCTCTGTTGCCCGGGCAGGGGAAGGGAGCTT[C>G]TTGGAGTCGGCCTCTGGCAGCAGCTCGGGCTCTGGGCTGGCTGGCCGGGAGCAGGGCTGC-3'
Protein context (NP_001230937.1, residues 1635-1655): EPELLPEADS[Lys1645Asn]KLPSPARATE

ClinVar aggregate classification (germline): Uncertain significance. Review status: criteria provided, multiple submitters, no conflicts (2 of 4 stars). 2 submissions from 2 submitters: Uncertain significance (2). Last evaluated 2024-03-29.

Conditions:
Inborn genetic diseases. Identifiers: MedGen C0950123, MeSH D030342.
Hereditary spastic paraplegia 30. Identifiers: Orphanet 101010, MedGen C5235139, MONDO:0012476.
Neuropathy, hereditary sensory, type 2C. Also called: Hereditary sensory and autonomic neuropathy type IIC; KIF1A-Related HSAN2 (HSAN2C). Identifiers: Orphanet 970, MedGen C3280168, MONDO:0013634, OMIM 614213.
Intellectual disability, autosomal dominant 9 (NESCAVS). Also called: NESCAV SYNDROME; KIF1A-Related Neurodevelopmental Disorder. Identifiers: Orphanet 662367, MedGen C5393830, MONDO:0013656, OMIM 614255.

gnomAD v4.1: 1 of 1,612,176 alleles (0.000062%); highest among the groups gnomAD compares: Non-Finnish European, 0.000085%; no homozygotes.

Submissions (2):

Labcorp Genetics (formerly Invitae), Labcorp
Classification: Uncertain significance for Hereditary spastic paraplegia 30; Neuropathy, hereditary sensory, type 2C; Intellectual disability, autosomal dominant 9. Last evaluated: 2024-03-29. Review status: criteria provided, single submitter. Criteria: Invitae Variant Classification Sherloc (09022015). Collection method: clinical testing. Allele origin: germline.
Comment: This sequence change replaces lysine, which is basic and polar, with asparagine, which is neutral and polar, at codon 1544 of the KIF1A protein (p.Lys1544Asn). This variant is not present in population databases (gnomAD no frequency). This variant has not been reported in the literature in individuals affected with KIF1A-related conditions. ClinVar contains an entry for this variant (Variation ID: 1744225). Advanced modeling of protein sequence and biophysical properties (such as structural, functional, and spatial information, amino acid conservation, physicochemical variation, residue mobility, and thermodynamic stability) performed at Invitae indicates that this missense variant is not expected to disrupt KIF1A protein function with a negative predictive value of 95%. In summary, the available evidence is currently insufficient to determine the role of this variant in disease. Therefore, it has been classified as a Variant of Uncertain Significance.

Ambry Genetics
Classification: Uncertain significance for Inborn genetic diseases. Last evaluated: 2020-03-18. Review status: criteria provided, single submitter. Criteria: Ambry Variant Classification Scheme 2023. Collection method: clinical testing. Allele origin: germline.
Comment: The p.K1645N variant (also known as c.4935G>C), located in coding exon 45 of the KIF1A gene, results from a G to C substitution at nucleotide position 4935. The lysine at codon 1645 is replaced by asparagine, an amino acid with similar properties. This amino acid position is well conserved in available vertebrate species. In addition, this alteration is predicted to be tolerated by in silico analysis. Since supporting evidence is limited at this time, the clinical significance of this alteration remains unclear.